The following is an entry in ClinVar:

ClinVar aggregate classification (germline): Uncertain significance. Review status: criteria provided, multiple submitters, no conflicts (2 of 4 stars). 2 submissions from 2 submitters: Uncertain significance (2). Last evaluated 2025-10-17.

Conditions:
Inborn genetic diseases. Identifiers: MedGen C0950123, MeSH D030342.
Hereditary hyperekplexia. Identifiers: Orphanet 3197, MedGen C4084968, MONDO:0021022.

Allele frequency attached by ClinVar (database versions not stated): ExAC 0.00001; gnomAD exomes 0.00001 and 0.00003.
gnomAD v4.1: 50 of 1,613,864 alleles (0.0031%); highest among the groups gnomAD compares: Non-Finnish European, 0.004%; no homozygotes.

Submissions (2):

Labcorp Genetics (formerly Invitae), Labcorp
Classification: Uncertain significance for Hereditary hyperekplexia. Last evaluated: 2025-10-17. Review status: criteria provided, single submitter. Criteria: Invitae Variant Classification Sherloc (09022015). Collection method: clinical testing. Allele origin: germline.
Comment: This sequence change replaces serine, which is neutral and polar, with tyrosine, which is neutral and polar, at codon 116 of the GLRA1 protein (p.Ser116Tyr). This variant is present in population databases (rs775032574, gnomAD 0.008%). This variant has not been reported in the literature in individuals affected with GLRA1-related conditions. ClinVar contains an entry for this variant (Variation ID: 1371731). Invitae Evidence Modeling of protein sequence and biophysical properties (such as structural, functional, and spatial information, amino acid conservation, physicochemical variation, residue mobility, and thermodynamic stability) indicates that this missense variant is not expected to disrupt GLRA1 protein function with a negative predictive value of 80%. In summary, the available evidence is currently insufficient to determine the role of this variant in disease. Therefore, it has been classified as a Variant of Uncertain Significance.

Ambry Genetics
Classification: Uncertain significance for Inborn genetic diseases. Last evaluated: 2025-06-06. Review status: criteria provided, single submitter. Criteria: Ambry Variant Classification Scheme 2023. Collection method: clinical testing. Allele origin: germline.

NM_000171.4(GLRA1):c.347C>A (p.Ser116Tyr)

Gene: GLRA1 (glycine receptor alpha 1; minus strand). Cytogenetic location: 5q33.1.
Variant type: single nucleotide variant.
Coding change: c.347C>A on transcript NM_000171.4 (MANE Select); coding-DNA position 347, C replaced by A.
Protein change: p.Ser116Tyr; replaces serine 116 with tyrosine.
Molecular consequence: missense variant.
Genome position (GRCh38, 1-based): chr5:151,859,914, G>T on the plus strand (C>A on the coding strand, the complement: GLRA1 is on the minus strand). VCF-style: chr5-151859914-G-T. GRCh37 (hg19) VCF-style: chr5-151239475-G-T.
Other names: c.347C>A (NM_000171.3); c.347C>A, p.Ser116Tyr (NM_001146040.2); c.98C>A, p.Ser33Tyr (NM_001292000.2); short protein forms S116Y, S33Y.
Identifiers: ClinVar variation 1371731 (VCV001371731.9), dbSNP rs775032574, ClinGen allele CA3523712.